The following is an entry in ClinVar:

ClinVar aggregate classification (germline): Likely benign (1 of 4 stars; one submission).

Submission:

CeGaT Center for Human Genetics Tuebingen
Classification: Likely benign. Last evaluated: 2025-04-01. Review status: criteria provided, single submitter. Criteria: CeGaT Center For Human Genetics Tuebingen Variant Classification Criteria Version 2. Collection method: clinical testing. Allele origin: germline. Affected: yes. Observed: 1 variant allele.
Comment: MTOR: PM2:Supporting, BP4, BP7

NM_004958.4(MTOR):c.3129C>T (p.Val1043=)

Gene: MTOR (mechanistic target of rapamycin kinase; minus strand). Cytogenetic location: 1p36.22.
Variant type: single nucleotide variant.
Coding change: c.3129C>T on transcript NM_004958.4 (MANE Select); coding-DNA position 3129, C replaced by T.
Protein change: p.Val1043=; no amino-acid change (valine 1043 retained).
Molecular consequence: synonymous variant.
Genome position (GRCh38, 1-based): chr1:11,213,555, G>A on the plus strand (C>T on the coding strand, the complement: MTOR is on the minus strand). VCF-style: chr1-11213555-G-A. GRCh37 (hg19) VCF-style: chr1-11273612-G-A.
Other names: c.3129C>T, p.Val1043= (NM_001386500.1); c.1881C>T, p.Val627= (NM_001386501.1).
Identifiers: ClinVar variation 3898701 (VCV003898701.7).